The following is an entry in ClinVar:

NM_021120.4(DLG3):c.2082G>A (p.Ala694=)

Gene: DLG3 (discs large MAGUK scaffold protein 3; plus strand). Cytogenetic location: Xq13.1.
Variant type: single nucleotide variant.
Coding change: c.2082G>A on transcript NM_021120.4 (MANE Select); coding-DNA position 2082, G replaced by A.
Protein change: p.Ala694=; no amino-acid change (alanine 694 retained).
Molecular consequence: synonymous variant.
Genome position (GRCh38, 1-based): chrX:70,499,986, G>A. VCF-style: chrX-70499986-G-A. GRCh37 (hg19) VCF-style: chrX-69719836-G-A.
Other names: c.729G>A, p.Ala243= (NM_001166278.2); c.1167G>A, p.Ala389= (NM_020730.3).
Identifiers: ClinVar variation 3257297 (VCV003257297.17).

ClinVar aggregate classification (germline): Likely benign (1 of 4 stars; one submission).

gnomAD v4.1: 9 of 1,211,013 alleles (0.00074%); highest among the groups gnomAD compares: Admixed American, 0.0022%; no homozygotes.

Submission:

CeGaT Center for Human Genetics Tuebingen
Classification: Likely benign. Last evaluated: 2024-07-01. Review status: criteria provided, single submitter. Criteria: CeGaT Center For Human Genetics Tuebingen Variant Classification Criteria Version 2. Collection method: clinical testing. Allele origin: germline. Affected: yes. Observed: 1 variant allele.
Comment: DLG3: BP4, BP7